The following is an entry in ClinVar:

NM_006269.2(RP1):c.3188A>G (p.Gln1063Arg)

Gene: RP1 (RP1 axonemal microtubule associated; plus strand). Cytogenetic location: 8q12.1.
Variant type: single nucleotide variant.
Coding change: c.3188A>G on transcript NM_006269.2 (MANE Select); coding-DNA position 3188, A replaced by G.
Protein change: p.Gln1063Arg; replaces glutamine 1063 with arginine.
Molecular consequence: missense variant. On other transcripts: intron variant (1).
Genome position (GRCh38, 1-based): chr8:54,627,070, A>G. VCF-style: chr8-54627070-A-G. GRCh37 (hg19) VCF-style: chr8-55539630-A-G.
Other names: c.787+4782A>G (NM_001375654.1); short protein forms Q1063R.
Identifiers: ClinVar variation 1423170 (VCV001423170.9), dbSNP rs199550930, ClinGen allele CA4751653.

ClinVar aggregate classification (germline): Conflicting classifications of pathogenicity. Review status: criteria provided, conflicting classifications (1 of 4 stars). 2 submissions from 2 submitters: Uncertain significance (1); Likely benign (1). Last evaluated 2025-11-13.

Allele frequency attached by ClinVar (database versions not stated): gnomAD exomes 0.00001 and 0.00008; gnomAD 0.00003 and 0.00006; TOPMed 0.00005; ExAC 0.00007; 1000 Genomes Project 30x 0.00062; 1000 Genomes Project 0.00080.
gnomAD v4.1: 38 of 1,614,116 alleles (0.0024%); highest among the groups gnomAD compares: East Asian, 0.053%; no homozygotes.

Submissions (2):

Labcorp Genetics (formerly Invitae), Labcorp
Classification: Uncertain significance. Last evaluated: 2025-11-13. Review status: criteria provided, single submitter. Criteria: Invitae Variant Classification Sherloc (09022015). Collection method: clinical testing. Allele origin: germline.
Comment: This sequence change replaces glutamine, which is neutral and polar, with arginine, which is basic and polar, at codon 1063 of the RP1 protein (p.Gln1063Arg). This variant is present in population databases (rs199550930, gnomAD 0.1%). This variant has not been reported in the literature in individuals affected with RP1-related conditions. ClinVar contains an entry for this variant (Variation ID: 1423170). An algorithm developed to predict the effect of missense changes on protein structure and function outputs the following: PolyPhen-2: "Benign". The arginine amino acid residue is found in multiple mammalian species, which suggests that this missense change does not adversely affect protein function. In summary, the available evidence is currently insufficient to determine the role of this variant in disease. Therefore, it has been classified as a Variant of Uncertain Significance.

Blueprint Genetics
Classification: Likely benign. Last evaluated: 2024-05-24. Review status: criteria provided, single submitter. Criteria: ACMG Guidelines, 2015. Collection method: clinical testing. Allele origin: germline.